The following is an entry in ClinVar:

NM_005609.4(PYGM):c.576G>T (p.Lys192Asn)

Gene: PYGM (glycogen phosphorylase, muscle associated; minus strand). Cytogenetic location: 11q13.1.
Variant type: single nucleotide variant.
Coding change: c.576G>T on transcript NM_005609.4 (MANE Select); coding-DNA position 576, G replaced by T.
Protein change: p.Lys192Asn; replaces lysine 192 with asparagine.
Molecular consequence: missense variant.
Genome position (GRCh38, 1-based): chr11:64,757,863, C>A on the plus strand (G>T on the coding strand, the complement: PYGM is on the minus strand). VCF-style: chr11-64757863-C-A. GRCh37 (hg19) VCF-style: chr11-64525335-C-A.
Other names: c.312G>T, p.Lys104Asn (NM_001164716.1); short protein forms K104N, K192N.
Identifiers: ClinVar variation 2574624 (VCV002574624.2), dbSNP rs149597150, ClinGen allele CA6080201.
Genomic context (GRCh38, chr11:64,757,863, plus strand): 5'-CTGGCTGGTGTGCTCCACATGGCCGTAGAAGTGCACAGGTAGCGTGAACTCGGGCCGGGC[C>A]TTCTCCCAGGGGTTGCCGTAGCGAAGCCAGTCATCGGCCTCCTCCATCTGCACCCAAGGC-3'
Protein context (NP_005600.1, residues 182-202): DWLRYGNPWE[Lys192Asn]ARPEFTLPVH

ClinVar aggregate classification (germline): no classifications from unflagged records (0 of 4 stars; one submission).

Conditions:
Tip-toe gait. Also called: Toe walking. Identifiers: MedGen C0427144, HP:0030051.

Allele frequency attached by ClinVar (database versions not stated): ExAC 0.00001; gnomAD exomes 0.00002; ESP Exome Variant Server 0.00008.
gnomAD v4.1: 31 of 1,614,078 alleles (0.0019%); highest among the groups gnomAD compares: Non-Finnish European, 0.0025%; no homozygotes.

Submission:

Practice for Gait Abnormalities, David Pomarino, Competency Network Toe Walking C/o Practice Pomarino
Classification: Likely pathogenic for Tip-toe gait. Last evaluated: 2022-03-14. Review status: flagged submission. Collection method: clinical testing. Allele origin: germline. Affected: yes.
Comment: Toe Walking has various causes, ranging from idiopathic or habitual reasons to an underlying neuromuscular disease. The most observed form of toe walking is idiopathic toe walking (ITW) - a diagnosis of exclusion. ITW occurs in about 5% of children after their second birthday and is a common problem in pediatric orthopedics. In about 70% of these cases, there is spontaneous remission within six months of the onset of ITW. If the toe walk persists, one can assume the presence of a non-idiopathic form of toe walk (n-ITW). In n-ITW, the causes of the abnormal gait are neurological or myogenic. Differential diagnoses such as infantile cerebral palsy, muscular dystrophy, spinal amyotrophy and hereditary motor-sensory neuropathy as well as rare metabolic disorders of the musculature must be considered (Pomarino et al., 2018). In our clinical ITW consultation, we screen children with n-ITW for a genetic form of tiptoe gait using next generation sequencing for gene variants in 49 genes. These are genes in which gene variants can lead to neuromuscular diseases in which an association with toe-tapping gait has been reported or can be suspected due to patients’ clinical symptoms. To the best of our knowledge, this is the first study in which several patients with toe walking displayed heterozygosity for pathogenic or likely pathogenic PYGM mutations and mild symptoms of the metabolic muscle disease McArdle. The findings of our research are in line with recently published observations in heterozygous family members patients with McArdle disease. We should mention that some of the patients in our cohort harbored heterozygous variants in other genes of our gene panel. However, the numbers in this study were too small to workout any resulting combined genetic effects. It is concluded that genetic conditions can contribute to the development of toe walking. Apparently, even a slight genetic weakening of the muscles can lead to changes to the gait pattern. Future studies must show how the pathomechanism can be explained for the PYGM variants and whether there are new therapeutic approaches to be developed based on this research.
ClinVar note: Notes: This gene has insufficient supporting evidence for isolated Tip-Toe Gait.
ClinVar note: Reason: Claim with insufficient supporting evidence

Literature cited by the submitters: PubMed 29881221; DOI 10.1016/j.rchot.2016.09.001; DOI 10.51793/OS.2022.25.6.010.